The following is an entry in ClinVar:

ClinVar aggregate classification (germline): Pathogenic (1 of 4 stars; one submission).

Conditions:
Myofibrillar myopathy 5. Also called: Filaminopathy (type); FILAMINOPATHY, AUTOSOMAL DOMINANT. Identifiers: Orphanet 171445, MedGen C1836050, MONDO:0012289, OMIM 609524.
Distal myopathy with posterior leg and anterior hand involvement. Also called: WILLIAMS DISTAL MYOPATHY. Identifiers: Orphanet 63273, MedGen C3279722, MONDO:0013550, OMIM 614065.
Hypertrophic cardiomyopathy 26. Also called: Cardiomyopathy, familial hypertrophic, 26. Identifiers: Orphanet 75249, MedGen C4310749, MONDO:0014883, OMIM 617047.

Submission:

Labcorp Genetics (formerly Invitae), Labcorp
Classification: Pathogenic for Distal myopathy with posterior leg and anterior hand involvement; Myofibrillar myopathy 5; Hypertrophic cardiomyopathy 26. Last evaluated: 2022-08-19. Review status: criteria provided, single submitter. Criteria: Invitae Variant Classification Sherloc (09022015). Collection method: clinical testing. Allele origin: germline.
Comment: This sequence change creates a premature translational stop signal (p.Gly1285Alafs*4) in the FLNC gene. It is expected to result in an absent or disrupted protein product. Loss-of-function variants in FLNC are known to be pathogenic (PMID: 27908349). This variant is not present in population databases (gnomAD no frequency). This variant has not been reported in the literature in individuals affected with FLNC-related conditions. ClinVar contains an entry for this variant (Variation ID: 843605). For these reasons, this variant has been classified as Pathogenic.

Literature cited by the submitters: PubMed 27908349.

NM_001458.5(FLNC):c.3854del (p.Gly1285fs)

Gene: FLNC (filamin C; plus strand). Cytogenetic location: 7q32.1.
Variant type: Deletion.
Coding change: c.3854del on transcript NM_001458.5 (MANE Select); coding-DNA position 3854, one base deleted (G; older notation c.3854delG).
Protein change: p.Gly1285fs; shifts the reading frame from glycine 1285.
Molecular consequence: frameshift variant.
Genome position (GRCh38, 1-based): chr7:128,846,053, G deleted; the last of 2 consecutive G bases (chr7:128,846,052-128,846,053); deleting either gives the same sequence. VCF-style (leftmost placement, unchanged base first): chr7-128846051-CG-C. GRCh37 (hg19) VCF-style: chr7-128486105-CG-C.
Other names: c.3854del, p.Gly1285fs (NM_001127487.2); short protein forms G1285fs.
Identifiers: ClinVar variation 843605 (VCV000843605.10), dbSNP rs1808550611, ClinGen allele CA916082322.
Genomic context (GRCh38, chr7:128,846,051, plus strand): 5'-TGTCCTGCGGGAGGTGACCACTGAGTTCACTGTGGATGCAAGATCCCTAACAGCCACAGG[CG>C]GCAACCACGTGACGGCTCGTGTGCTCAACCCCTCGGGGGCCAAGACAGACACCTATGTGA-3'